The following is an entry in ClinVar:

NM_001130987.2(DYSF):c.691G>A (p.Gly231Arg)

Gene: DYSF (dysferlin; plus strand). Cytogenetic location: 2p13.2.
Variant type: single nucleotide variant.
Coding change: c.691G>A on transcript NM_001130987.2 (MANE Select); coding-DNA position 691, G replaced by A.
Protein change: p.Gly231Arg; replaces glycine 231 with arginine.
Molecular consequence: missense variant.
Genome position (GRCh38, 1-based): chr2:71,513,853, G>A. VCF-style: chr2-71513853-G-A. GRCh37 (hg19) VCF-style: chr2-71740983-G-A.
Other names: c.598G>A, p.Gly200Arg (NM_001130983.2, NM_001130984.2, NM_001130986.2 and 1 more transcripts); c.691G>A, p.Gly231Arg (NM_001130985.2, NM_001130982.2); c.595G>A, p.Gly199Arg (NM_003494.4, NM_001130976.2, NM_001130977.2 and 1 more transcripts); c.595G>A (NM_003494.3); c.688G>A, p.Gly230Arg (NM_001130979.2, NM_001130980.2, NM_001130981.2); short protein forms G199R, G200R, G230R, G231R.
Identifiers: ClinVar variation 2420114 (VCV002420114.7), dbSNP rs769802282, ClinGen allele CA1705419.
Genomic context (GRCh38, chr2:71,513,853, plus strand): 5'-GGCCCGGGGGCTCCCACCACCCCAAGGAAACTACCTTCACGTCCTCCGCCCCACTACCCC[G>A]GGATCAAAAGAAAGCGAAGTGCGCCTACATCTAGAAAGCTGCTGTCAGACAAACCGCAGG-3'
Protein context (NP_001124459.1, residues 221-241): LPSRPPPHYP[Gly231Arg]IKRKRSAPTS

ClinVar aggregate classification (germline): Conflicting classifications of pathogenicity. Review status: criteria provided, conflicting classifications (1 of 4 stars). 2 submissions from 2 submitters: Uncertain significance (1); Likely benign (1). Last evaluated 2025-01-23.

Conditions:
Neuromuscular disease caused by qualitative or quantitative defects of dysferlin. Also called: Qualitative or quantitative defects of dysferlin; Dysferlinopathy. Identifiers: Orphanet 207073, MedGen C2931687, MONDO:0016145.

Allele frequency attached by ClinVar (database versions not stated): ExAC 0.00001; gnomAD exomes 0.00001; TOPMed 0.00001; gnomAD 0.00003.
gnomAD v4.1: 25 of 1,614,194 alleles (0.0015%); highest among the groups gnomAD compares: African/African-American, 0.0067%; no homozygotes.

Submissions (2):

Labcorp Genetics (formerly Invitae), Labcorp
Classification: Likely benign for Neuromuscular disease caused by qualitative or quantitative defects of dysferlin. Last evaluated: 2025-01-23. Review status: criteria provided, single submitter. Criteria: Invitae Variant Classification Sherloc (09022015). Collection method: clinical testing. Allele origin: germline.

GeneDx
Classification: Uncertain significance. Last evaluated: 2024-03-10. Review status: criteria provided, single submitter. Criteria: GeneDx Variant Classification Process June 2021. Collection method: clinical testing. Allele origin: germline. Affected: yes.
Comment: Not observed at significant frequency in large population cohorts (gnomAD); In silico analysis supports that this missense variant does not alter protein structure/function; Has not been previously published as pathogenic or benign to our knowledge